The following is an entry in ClinVar:

ClinVar aggregate classification (germline): Uncertain significance (1 of 4 stars; one submission).

Submission:

Labcorp Genetics (formerly Invitae), Labcorp
Classification: Uncertain significance. Last evaluated: 2025-04-26. Review status: criteria provided, single submitter. Criteria: Invitae Variant Classification Sherloc (09022015). Collection method: clinical testing. Allele origin: germline.
Comment: This sequence change falls in intron 44 of the TRRAP gene. It does not directly change the encoded amino acid sequence of the TRRAP protein. It affects a nucleotide within the consensus splice site. This variant is not present in population databases (gnomAD no frequency). This variant has not been reported in the literature in individuals affected with TRRAP-related conditions. Variants that disrupt the consensus splice site are a relatively common cause of aberrant splicing (PMID: 17576681, 9536098). Algorithms developed to predict the effect of sequence changes on RNA splicing suggest that this variant may disrupt the consensus splice site. In summary, the available evidence is currently insufficient to determine the role of this variant in disease. Therefore, it has been classified as a Variant of Uncertain Significance.

Literature cited by the submitters: PubMed 17576681; PubMed 9536098.

NM_001375524.1(TRRAP):c.6703+6T>C

Gene: TRRAP (transformation/transcription domain associated protein; plus strand). Cytogenetic location: 7q22.1.
Variant type: single nucleotide variant.
Coding change: c.6703+6T>C on transcript NM_001375524.1 (MANE Select); 6 bases into the intron after coding-DNA position 6703, T replaced by C.
Molecular consequence: intron variant.
Genome position (GRCh38, 1-based): chr7:98,961,480, T>C. VCF-style: chr7-98961480-T-C. GRCh37 (hg19) VCF-style: chr7-98559103-T-C.
Other names: c.6682+6T>C (NM_001244580.2); c.6628+6T>C (NM_003496.4).
Identifiers: ClinVar variation 4764591 (VCV004764591.1).